The following is an entry in ClinVar:

ClinVar aggregate classification (germline): Uncertain significance (1 of 4 stars; one submission).

Conditions:
Hereditary pancreatitis (PCTT). Also called: Hereditary chronic pancreatitis; PRSS1-Related Hereditary Pancreatitis. Identifiers: Orphanet 676, MedGen C0238339, MONDO:0008185, OMIM 167800.

Submission:

Ambry Genetics
Classification: Uncertain significance for Hereditary pancreatitis. Last evaluated: 2024-10-23. Review status: criteria provided, single submitter. Criteria: Ambry Variant Classification Scheme 2023. Collection method: clinical testing. Allele origin: germline.
Comment: The p.S16N variant (also known as c.47G>A), located in coding exon 2 of the CTRC gene, results from a G to A substitution at nucleotide position 47. The serine at codon 16 is replaced by asparagine, an amino acid with highly similar properties. This amino acid position is conserved. In addition, this alteration is predicted to be tolerated by in silico analysis. Based on the available evidence, the clinical significance of this variant remains unclear.

NM_007272.3(CTRC):c.47G>A (p.Ser16Asn)

Gene: CTRC (chymotrypsin C; plus strand). Cytogenetic location: 1p36.21.
Variant type: single nucleotide variant.
Coding change: c.47G>A on transcript NM_007272.3 (MANE Select); coding-DNA position 47, G replaced by A.
Protein change: p.Ser16Asn; replaces serine 16 with asparagine.
Molecular consequence: missense variant.
Genome position (GRCh38, 1-based): chr1:15,440,306, G>A. VCF-style: chr1-15440306-G-A. GRCh37 (hg19) VCF-style: chr1-15766802-G-A.
Other names: short protein forms S16N.
Identifiers: ClinVar variation 3498410 (VCV003498410.1).